The following is an entry in ClinVar:

ClinVar aggregate classification (germline): Pathogenic. Review status: reviewed by expert panel (3 of 4 stars). 7 submissions from 7 submitters: Pathogenic (1). 6 of the submissions do not count toward it. Last evaluated 2016-09-08.

Conditions:
Hereditary cancer-predisposing syndrome. Also called: Tumor predisposition; Neoplastic Syndromes, Hereditary; Hereditary Cancer Syndrome; Hereditary neoplastic syndrome. Identifiers: Orphanet 140162, MedGen C0027672, MeSH D009386, MONDO:0015356.
Hereditary breast ovarian cancer syndrome. Also called: Hereditary breast and ovarian cancer syndrome (HBOC); Hereditary breast and ovarian cancer syndrome; Hereditary breast and ovarian cancer; Hereditary breast and/or ovarian cancer syndrome; Breast and ovarian cancer; BRCA1- and BRCA2-Associated Hereditary Breast and Ovarian Cancer. Identifiers: Orphanet 145, MedGen C0677776, MeSH D061325, MONDO:0003582. Disease mechanism: loss of function.
Breast-ovarian cancer, familial, susceptibility to, 1 (BROVCA1). Also called: OVARIAN CANCER, SUSCEPTIBILITY TO; BRCA1 Hereditary Breast and Ovarian Cancer. Identifiers: Orphanet 145, MedGen C2676676, MONDO:0011450, OMIM 604370. Disease mechanism: loss of function.

Submissions (7):

Evidence-based Network for the Interpretation of Germline Mutant Alleles (ENIGMA)
Classification: Pathogenic for Breast-ovarian cancer, familial, susceptibility to, 1. Last evaluated: 2016-09-08. Review status: reviewed by expert panel. Criteria: ENIGMA BRCA1/2 Classification Criteria (2015). Collection method: curation. Allele origin: germline.
Comment: Variant allele predicted to encode a truncated non-functional protein.

Labcorp Genetics (formerly Invitae), Labcorp
Classification: Pathogenic for Hereditary breast ovarian cancer syndrome. Last evaluated: 2025-07-30. Review status: criteria provided, single submitter. Criteria: Invitae Variant Classification Sherloc (09022015). Collection method: clinical testing. Allele origin: germline. Not counted in ClinVar's aggregate classification.
Comment: This sequence change creates a premature translational stop signal (p.Leu702*) in the BRCA1 gene. It is expected to result in an absent or disrupted protein product. Loss-of-function variants in BRCA1 are known to be pathogenic (PMID: 20104584). This variant is not present in population databases (gnomAD no frequency). This premature translational stop signal has been observed in individual(s) with ovarian cancer (PMID: 30078507). ClinVar contains an entry for this variant (Variation ID: 54460). For these reasons, this variant has been classified as Pathogenic.

Baylor Genetics
Classification: Pathogenic for Breast-ovarian cancer, familial, susceptibility to, 1. Last evaluated: 2024-03-22. Review status: criteria provided, single submitter. Criteria: ACMG Guidelines, 2015. Collection method: clinical testing. Allele origin: unknown. Not counted in ClinVar's aggregate classification.

Ambry Genetics
Classification: Pathogenic for Hereditary cancer-predisposing syndrome. Last evaluated: 2023-08-02. Review status: criteria provided, single submitter. Criteria: Ambry Variant Classification Scheme 2023. Collection method: clinical testing. Allele origin: germline. Not counted in ClinVar's aggregate classification.
Comment: The p.L702* pathogenic mutation (also known as c.2105T>G), located in coding exon 9 of the BRCA1 gene, results from a T to G substitution at nucleotide position 2105. This changes the amino acid from a leucine to a stop codon within coding exon 9. This variant is considered to be rare based on population cohorts in the Genome Aggregation Database (gnomAD). This alteration is expected to result in loss of function by premature protein truncation or nonsense-mediated mRNA decay. As such, this alteration is interpreted as a disease-causing mutation.

Quest Diagnostics Nichols Institute San Juan Capistrano
Classification: Pathogenic. Last evaluated: 2021-11-11. Review status: criteria provided, single submitter. Criteria: Quest Diagnostics criteria. Collection method: clinical testing. Allele origin: unknown. Not counted in ClinVar's aggregate classification.
Comment: This nonsense variant causes the premature termination of BRCA1 protein synthesis. This variant has not been reported in large, multi-ethnic general populations. ). In a published cancer screening study, the variant has been reported in at least one individual with ovarian cancer and none of the healthy controls (PMID: 30078507 (2018)). Based on the available information, this variant is classified as pathogenic.

Counsyl
Classification: Likely pathogenic for Breast-ovarian cancer, familial, susceptibility to, 1. Last evaluated: 2017-12-06. Review status: no assertion criteria provided. Collection method: clinical testing. Allele origin: unknown. Not counted in ClinVar's aggregate classification.

Breast Cancer Information Core (BIC) (BRCA1)
Classification: Pathogenic for Breast-ovarian cancer, familial 1. Last evaluated: 2004-11-25. Review status: no assertion criteria provided. Collection method: clinical testing. Allele origin: germline. Affected: yes. Observed: 1 variant allele. Not counted in ClinVar's aggregate classification.

Literature cited by the submitters: PubMed 20104584 (cited by Labcorp Genetics (formerly Invitae), Labcorp); PubMed 30078507 (cited by Labcorp Genetics (formerly Invitae), Labcorp and Quest Diagnostics Nichols Institute San Juan Capistrano).

NM_007294.4(BRCA1):c.2105T>G (p.Leu702Ter)

Gene: BRCA1 (BRCA1 DNA repair associated; minus strand). Cytogenetic location: 17q21.31.
Variant type: single nucleotide variant.
Coding change: c.2105T>G on transcript NM_007294.4 (MANE Select); coding-DNA position 2105, T replaced by G.
Protein change: p.Leu702Ter; replaces leucine 702 with a stop codon.
Molecular consequence: nonsense. On other transcripts: intron variant (137).
Genome position (GRCh38, 1-based): chr17:43,093,426, A>C on the plus strand (T>G on the coding strand, the complement: BRCA1 is on the minus strand). VCF-style: chr17-43093426-A-C. GRCh37 (hg19) VCF-style: chr17-41245443-A-C.
Other names: c.2027T>G, p.Leu676Ter (NM_001407657.1, NM_001407658.1, NM_001407663.1 and 4 more transcripts); c.2024T>G, p.Leu675Ter (NM_001407659.1, NM_001407660.1, NM_001407661.1 and 1 more transcripts); c.1982T>G, p.Leu661Ter (NM_001407664.1, NM_001407665.1, NM_001407666.1 and 19 more transcripts); c.1979T>G, p.Leu660Ter (NM_001407670.1, NM_001407671.1, NM_001407672.1 and 11 more transcripts); c.2105T>G, p.Leu702Ter (NM_001407684.1, NM_001407854.1, NM_001407858.1 and 30 more transcripts); c.1964T>G, p.Leu655Ter (NM_001407692.1, NM_001407694.1, NM_001407695.1 and 29 more transcripts); c.1961T>G, p.Leu654Ter (NM_001407740.1, NM_001407741.1, NM_001407742.1 and 20 more transcripts); c.1892T>G, p.Leu631Ter (NM_001407853.1, NM_001407894.1, NM_001407895.1 and 9 more transcripts); and 41 more; short protein forms L702*, L655*, L575*, L591*, L660*, L661*, L406*, L534*.
Identifiers: ClinVar variation 54460 (VCV000054460.17), dbSNP rs80357298, ClinGen allele CA001394.